The following is an entry in ClinVar:

NM_182914.3(SYNE2):c.3700C>T (p.Leu1234Phe)

Gene: SYNE2 (spectrin repeat containing nuclear envelope protein 2; plus strand). Cytogenetic location: 14q23.2.
Variant type: single nucleotide variant.
Coding change: c.3700C>T on transcript NM_182914.3 (MANE Select); coding-DNA position 3700, C replaced by T.
Protein change: p.Leu1234Phe; replaces leucine 1234 with phenylalanine.
Molecular consequence: missense variant.
Genome position (GRCh38, 1-based): chr14:64,001,995, C>T. VCF-style: chr14-64001995-C-T. GRCh37 (hg19) VCF-style: chr14-64468713-C-T.
Other names: c.3700C>T, p.Leu1234Phe (NM_015180.6); short protein forms L1234F.
Identifiers: ClinVar variation 3346556 (VCV003346556.4).
Genomic context (GRCh38, chr14:64,001,995, plus strand): 5'-ATGGAATCTTTAGAGACAGCACTGCGGCTTGTGTTACCTGTAGAGAAGGCATCACTTCTT[C>T]TCTGTGGCTCGGACCTGCCTCTCCATAAAATGGCCATCCAGGGATTTCATCTCATTGATG-3'
Protein context (NP_878918.2, residues 1224-1244): VLPVEKASLL[Leu1234Phe]CGSDLPLHKM

ClinVar aggregate classification (germline): Uncertain significance. Review status: criteria provided, multiple submitters, no conflicts (2 of 4 stars). 2 submissions from 2 submitters: Uncertain significance (2). Last evaluated 2025-08-06.

Conditions:
SYNE2-related disorder. Also called: SYNE2-related condition.
Emery-Dreifuss muscular dystrophy 5, autosomal dominant (EDMD5). Also called: EMERY-DREIFUSS MUSCULAR DYSTROPHY 5. Identifiers: Orphanet 261, MedGen C2751805, MONDO:0013072, OMIM 612999.

gnomAD v4.1: 1 of 1,613,976 alleles (0.000062%); highest among the groups gnomAD compares: African/African-American, 0.0013%; no homozygotes.

Submissions (2):

PreventionGenetics, part of Exact Sciences
Classification: Uncertain significance for SYNE2-related condition. Last evaluated: 2025-08-06. Review status: criteria provided, single submitter. Criteria: ACMG Guidelines, 2015. Collection method: clinical testing. Allele origin: germline.
Comment: The SYNE2 c.3700C>T variant is predicted to result in the amino acid substitution p.Leu1234Phe. To our knowledge, this variant has not been reported in the literature or in a large population database (gnomAD), indicating this variant is rare. At this time, the clinical significance of this variant is uncertain due to the absence of conclusive functional and genetic evidence.

Labcorp Genetics (formerly Invitae), Labcorp
Classification: Uncertain significance for Emery-Dreifuss muscular dystrophy 5, autosomal dominant. Last evaluated: 2024-05-14. Review status: criteria provided, single submitter. Criteria: Invitae Variant Classification Sherloc (09022015). Collection method: clinical testing. Allele origin: germline.
Comment: This sequence change replaces leucine, which is neutral and non-polar, with phenylalanine, which is neutral and non-polar, at codon 1234 of the SYNE2 protein (p.Leu1234Phe). This variant is not present in population databases (gnomAD no frequency). This variant has not been reported in the literature in individuals affected with SYNE2-related conditions. An algorithm developed to predict the effect of missense changes on protein structure and function (PolyPhen-2) suggests that this variant is likely to be disruptive. In summary, the available evidence is currently insufficient to determine the role of this variant in disease. Therefore, it has been classified as a Variant of Uncertain Significance.